The following is an entry in ClinVar:

NM_001098816.3:c.(-321+1_-320-1)_(-265+1_-264-1)dup

Gene: TENM4 (teneurin transmembrane protein 4; minus strand).
Variant type: Duplication.
Other names: c.(-321+1_-320-1)_(-265+1_-264-1)dup (NM_001098816.3).
Identifiers: ClinVar variation 4887201 (VCV004887201.1).

ClinVar aggregate classification (germline): Uncertain significance (1 of 4 stars; one submission).

Submission:

Women's Health and Genetics/Laboratory Corporation of America, LabCorp
Classification: Uncertain significance. Last evaluated: 2026-06-16. Review status: criteria provided, single submitter. Criteria: LabCorp Variant Classification Summary - May 2015. Collection method: clinical testing. Allele origin: germline.
Comment: Variant summary: TENM4 c.(-321+1_-320-1)_(-265+1_-264-1)dup is located in the untranslated mRNA region upstream of the initiation codon. This variant is predicted to duplicate a segment of the 5' UTR of the gene (i.e. a non-coding exon), therefore its impact on the encoded protein is unknown. The variant was absent in 21694 control chromosomes in the gnomAD database (Structural Variants v2.1 dataset). The available data on variant occurrences in the general population are insufficient to allow any conclusion about variant significance. To our knowledge, no occurrence of c.(-321+1_-320-1)_(-265+1_-264-1)dup in individuals affected with TENM4-related conditions and no experimental evidence demonstrating its impact on protein function have been reported. No submitters have cited clinical-significance assessments for this variant to ClinVar. Based on the evidence outlined above, the variant was classified as uncertain significance.